The following is an entry in ClinVar:

NM_001308476.3(CYSLTR2):c.832T>A (p.Leu278Ile)

Gene: CYSLTR2 (cysteinyl leukotriene receptor 2; plus strand). Cytogenetic location: 13q14.2.
Variant type: single nucleotide variant.
Coding change: c.832T>A on transcript NM_001308476.3 (MANE Select); coding-DNA position 832, T replaced by A.
Protein change: p.Leu278Ile; replaces leucine 278 with isoleucine.
Molecular consequence: missense variant.
Genome position (GRCh38, 1-based): chr13:48,707,649, T>A. VCF-style: chr13-48707649-T-A. GRCh37 (hg19) VCF-style: chr13-49281785-T-A.
Other names: c.832T>A, p.Leu278Ile (NM_001308465.3, NM_001308467.3, NM_001308468.3 and 4 more transcripts); short protein forms L278I.
Identifiers: ClinVar variation 769850 (VCV000769850.29), dbSNP rs138722135, ClinGen allele CA6979608.

ClinVar aggregate classification (germline): Likely benign. Review status: criteria provided, multiple submitters, no conflicts (2 of 4 stars). 3 submissions from 3 submitters: Likely benign (3). Last evaluated 2023-03-01.

Allele frequency attached by ClinVar (database versions not stated): 1000 Genomes Project 0.00260; 1000 Genomes Project 30x 0.00265; gnomAD 0.00417 and 0.00449; TOPMed 0.00464; ESP Exome Variant Server 0.00469; ExAC 0.00473; gnomAD exomes 0.00486 and 0.00640.
gnomAD v4.1: 9,960 of 1,614,022 alleles (0.62%); highest among the groups gnomAD compares: Middle Eastern, 1.6%; 48 homozygotes.

Submissions (3):

CeGaT Center for Human Genetics Tuebingen
Classification: Likely benign. Last evaluated: 2023-03-01. Review status: criteria provided, single submitter. Criteria: CeGaT Center For Human Genetics Tuebingen Variant Classification Criteria Version 2. Collection method: clinical testing. Allele origin: germline. Affected: yes. Observed: 1 variant allele.
Comment: CYSLTR2: BP4, BS2

Labcorp Genetics (formerly Invitae), Labcorp
Classification: Likely benign. Last evaluated: 2019-12-31. Review status: criteria provided, single submitter. Criteria: Invitae Variant Classification Sherloc (09022015). Collection method: clinical testing. Allele origin: germline.

Breakthrough Genomics
Classification: Likely benign. Review status: criteria provided, single submitter. Criteria: ACMG Guidelines, 2015. Collection method: not provided. Allele origin: germline. Inheritance: Unknown mechanism. Affected: yes.